The following is an entry in ClinVar:

ClinVar aggregate classification (germline): Pathogenic (1 of 4 stars; one submission).

Conditions:
Spastic paraplegia. Identifiers: MedGen C0037772, HP:0001258.

Submission:

Labcorp Genetics (formerly Invitae), Labcorp
Classification: Pathogenic for Spastic paraplegia. Last evaluated: 2025-12-08. Review status: criteria provided, single submitter. Criteria: Invitae Variant Classification Sherloc (09022015). Collection method: clinical testing. Allele origin: germline.
Comment: This sequence change creates a premature translational stop signal (p.Thr589Asnfs*57) in the SACS gene. It is expected to result in an absent or disrupted protein product. Loss-of-function variants in SACS are known to be pathogenic (PMID: 18465152, 20876471). This variant is not present in population databases (gnomAD no frequency). This variant has not been reported in the literature in individuals affected with SACS-related conditions. For these reasons, this variant has been classified as Pathogenic.

Literature cited by the submitters: PubMed 18465152; PubMed 20876471.

NM_014363.6(SACS):c.1765dup (p.Thr589fs)

Gene: SACS (sacsin molecular chaperone; minus strand). Cytogenetic location: 13q12.12.
Variant type: Duplication.
Coding change: c.1765dup on transcript NM_014363.6 (MANE Select); coding-DNA position 1765, one base duplicated (A; older notation c.1765dupA).
Protein change: p.Thr589fs; shifts the reading frame from threonine 589.
Molecular consequence: frameshift variant.
Genome position (GRCh38, 1-based): chr13:23,354,847, T duplicated on the plus strand (A on the coding strand, the reverse complement: SACS is on the minus strand); the first of 5 consecutive T bases (chr13:23,354,847-23,354,851); duplicating any one gives the same sequence. VCF-style (leftmost placement, unchanged base first): chr13-23354846-G-GT. GRCh37 (hg19) VCF-style: chr13-23928985-G-GT.
Other names: c.1324dup, p.Thr442fs (NM_001278055.2); c.1765dup, p.Thr589fs (NM_001437336.1); short protein forms T442fs, T589fs.
Identifiers: ClinVar variation 4732689 (VCV004732689.1).